The following is an entry in ClinVar:

NC_000009.11:g.(?_87475935)_(87636352_?)dup

Gene: NTRK2 (neurotrophic receptor tyrosine kinase 2; plus strand). Cytogenetic location: 9q21.33.
Variant type: Duplication.
Identifiers: ClinVar variation 1450341 (VCV001450341.5).

ClinVar aggregate classification (germline): Uncertain significance (1 of 4 stars; one submission).

Submission:

Labcorp Genetics (formerly Invitae), Labcorp
Classification: Uncertain significance. Last evaluated: 2023-11-11. Review status: criteria provided, single submitter. Criteria: Invitae Variant Classification Sherloc (09022015). Collection method: clinical testing. Allele origin: germline.
Comment: This variant results in a copy number gain of the genomic region encompassing exon(s) 15-21 of the NTRK2 gene. This region includes the termination codon of the gene. This copy number gain extends beyond the assayed region for this gene and therefore may encompass additional genes. As the precise location of this event is unknown, it may be in tandem or it may be located elsewhere in the genome. This variant has not been reported in the literature in individuals affected with NTRK2-related conditions. Experimental studies and prediction algorithms are not available or were not evaluated, and the functional significance of this variant is currently unknown. In summary, the available evidence is currently insufficient to determine the role of this variant in disease. Therefore, it has been classified as a Variant of Uncertain Significance.